The following is an entry in ClinVar:

NM_003072.5(SMARCA4):c.*34C>G

Gene: SMARCA4 (SWI/SNF related, matrix associated, actin dependent regulator of chromatin, subfamily a, member 4; plus strand). Cytogenetic location: 19p13.2.
Variant type: single nucleotide variant.
Coding change: c.*34C>G on transcript NM_003072.5 (MANE Select); 34 bases downstream of the stop codon, C replaced by G.
Molecular consequence: 3 prime UTR variant. On other transcripts: non-coding transcript variant (1).
Genome position (GRCh38, 1-based): chr19:11,061,850, C>G. VCF-style: chr19-11061850-C-G. GRCh37 (hg19) VCF-style: chr19-11172526-C-G.
Other names: c.*34C>G (NM_001128844.3, NM_001128845.2, NM_001128846.2 and 4 more transcripts).
Identifiers: ClinVar variation 892548 (VCV000892548.4), dbSNP rs780956095, ClinGen allele CA9204937.

ClinVar aggregate classification (germline): Likely benign (1 of 4 stars; one submission).

Conditions:
Coffin-Siris syndrome. Identifiers: Orphanet 1465, MedGen C0265338, MONDO:0015452.

Allele frequency attached by ClinVar (database versions not stated): TOPMed 0.00003; ExAC 0.00005.
gnomAD v4.1: 105 of 1,608,684 alleles (0.0065%); highest among the groups gnomAD compares: Non-Finnish European, 0.0087%; no homozygotes.

Submission:

Illumina Laboratory Services, Illumina
Classification: Likely benign for Coffin-Siris syndrome. Last evaluated: 2018-01-12. Review status: criteria provided, single submitter. Criteria: ICSL Variant Classification Criteria 13 December 2019. Collection method: clinical testing. Allele origin: germline.
Comment: This variant was observed in the ICSL laboratory as part of a predisposition screen in an ostensibly healthy population. It had not been previously curated by ICSL or reported in the Human Gene Mutation Database (HGMD: prior to June 1st, 2018), and was therefore a candidate for classification through an automated scoring system. Utilizing variant allele frequency, disease prevalence and penetrance estimates, and inheritance mode, an automated score was calculated to assess if this variant is too frequent to cause the disease. Based on the score and internal cut-off values, a variant classified as likely benign is not then subjected to further curation. The score for this variant resulted in a classification of likely benign for this disease.